The following is an entry in ClinVar:

ClinVar aggregate classification (germline): Likely benign. Review status: criteria provided, multiple submitters, no conflicts (2 of 4 stars). 4 submissions from 4 submitters: Likely benign (4). Last evaluated 2025-08-05.

Conditions:
Wolfram syndrome 1 (WFS1). Identifiers: Orphanet 3463, MedGen C4551693, MONDO:0009101, OMIM 222300.

Allele frequency attached by ClinVar (database versions not stated): TOPMed below 0.00001; ExAC 0.00002; gnomAD exomes 0.00002; gnomAD 0.00010.
gnomAD v4.1: 17 of 1,612,812 alleles (0.0011%); highest among the groups gnomAD compares: East Asian, 0.033%; no homozygotes.

Submissions (4):

Labcorp Genetics (formerly Invitae), Labcorp
Classification: Likely benign. Last evaluated: 2025-08-05. Review status: criteria provided, single submitter. Criteria: Invitae Variant Classification Sherloc (09022015). Collection method: clinical testing. Allele origin: germline.

Women's Health and Genetics/Laboratory Corporation of America, LabCorp
Classification: Likely benign. Last evaluated: 2024-08-20. Review status: criteria provided, single submitter. Criteria: LabCorp Variant Classification Summary - May 2015. Collection method: clinical testing. Allele origin: germline.

Blueprint Genetics
Classification: Likely benign. Last evaluated: 2023-08-03. Review status: criteria provided, single submitter. Criteria: ACMG Guidelines, 2015. Collection method: clinical testing. Allele origin: germline.

Clinical Genomics, Uppaluri K&H Personalized Medicine Clinic
Classification: Likely benign for Wolfram syndrome 1. Review status: criteria provided, single submitter. Criteria: K & H Uppaluri Personalized Medicine Clinic Variant Classification & Assertion Criteria_Updated V.1. Collection method: research. Allele origin: unknown. Inheritance: Autosomal recessive inheritance.
Comment: Potent mutations in WFS1 gene are associated with Wolfram's syndrome, an autosomal recessive condition, which cause diabetes mellitus, diabetes insipidus, deafness and optic atrophy.However no sufficient evidence is found to ascertain the role of this particular variant rs755328574 in Wolfram's syndrome yet.

Literature cited by the submitters: PubMed 20738327 (cited by Clinical Genomics, Uppaluri K&H Personalized Medicine Clinic); PubMed 33879153 (cited by Clinical Genomics, Uppaluri K&H Personalized Medicine Clinic); PubMed 12955714 (cited by Clinical Genomics, Uppaluri K&H Personalized Medicine Clinic); PubMed 18060660 (cited by Clinical Genomics, Uppaluri K&H Personalized Medicine Clinic); PubMed 20301750 (cited by Clinical Genomics, Uppaluri K&H Personalized Medicine Clinic); PubMed 17603484 (cited by Clinical Genomics, Uppaluri K&H Personalized Medicine Clinic).

NM_006005.3(WFS1):c.2298C>T (p.His766=)

Gene: WFS1 (wolframin ER transmembrane glycoprotein; plus strand). Cytogenetic location: 4p16.1.
Variant type: single nucleotide variant.
Coding change: c.2298C>T on transcript NM_006005.3 (MANE Select); coding-DNA position 2298, C replaced by T.
Protein change: p.His766=; no amino-acid change (histidine 766 retained).
Molecular consequence: synonymous variant.
Genome position (GRCh38, 1-based): chr4:6,302,093, C>T. VCF-style: chr4-6302093-C-T. GRCh37 (hg19) VCF-style: chr4-6303820-C-T.
Other names: c.2298C>T, p.His766= (NM_001145853.1).
Identifiers: ClinVar variation 753175 (VCV000753175.11), dbSNP rs755328574, ClinGen allele CA2839678.